The following is an entry in ClinVar:

ClinVar aggregate classification (germline): Uncertain significance. Review status: reviewed by expert panel (3 of 4 stars). 6 submissions from 6 submitters: Uncertain significance (1). 5 of the submissions do not count toward it. Last evaluated 2026-08-20.

Conditions:
Leber congenital amaurosis (LCA). Also called: Leber's amaurosis. Identifiers: Orphanet 65, MedGen C0339527, MeSH D057130, MONDO:0018998.
Leber congenital amaurosis 2 (LCA2). Also called: AMAUROSIS CONGENITA OF LEBER II; Autosomal Recessive RPE65-Related Retinal Degeneration. Identifiers: Orphanet 65, MedGen C1859844, MONDO:0008765, OMIM 204100. Disease mechanism: loss of function.
Retinitis pigmentosa 20 (RP20). Identifiers: Orphanet 791, MedGen C3151086, MONDO:0013425, OMIM 613794.
Retinitis pigmentosa 87 with choroidal involvement. Identifiers: MedGen C5231465, MONDO:0032873, OMIM 618697.
RPE65-related recessive retinopathy. Also called: Recessive RPE65 retinopathy. Identifiers: MedGen CN305526, MONDO:0100368.

Allele frequency attached by ClinVar (database versions not stated): 1000 Genomes Project 0.00020; gnomAD 0.00001; gnomAD exomes 0.00001; 1000 Genomes Project 30x 0.00031; ExAC 0.00002.

Submissions (6):

ClinGen Leber Congenital Amaurosis/early Onset Retinal Dystrophy Variant Curation Expert Panel, ClinGen
Classification: Uncertain significance for RPE65-related recessive retinopathy. Last evaluated: 2026-08-20. Review status: reviewed by expert panel. Criteria: ClinGen LCAeoRD ACMG Specifications RPE65 V1.0.0. Collection method: curation. Allele origin: germline. Inheritance: Autosomal recessive inheritance.
Comment: NM_000329.3:c.1597T>A is a missense variant in RPE65 causing substitution of serine with threonine at position p.533. This variant is present in gnomAD v.4.1.1 at a GrpMax allele frequency of 0.00001098, with 1 alleles / 91076 total alleles in the South Asian population, which is lower than the ClinGen LCA / eoRD VCEP PM2_Supporting threshold of <0.0002 (PM2_Supporting). The computational predictor REVEL gives a score of 0.568, which is below the ClinGen LCA / eoRD VCEP threshold of ≥ 0.644 and does not predict a damaging effect on RPE65 function. Additionally, the splicing impact predictor SpliceAI gives a score of 0.00 for all change types, which is below the ClinGen LCA / eoRD VCEP recommended threshold of ≥0.2 and does not strongly predict an impact on splicing. At least one proband harboring this variant exhibits a phenotype including a diagnosis of Leber congenital amaurosis, however other available phenotypes are not sufficient to evaluate specificity for RPE65-related recessive retinopathy and no second variant has been identified, so PP4 is not met (PMID: 17964524). This variant has been reported in at least 1 proband with early-onset severe retinal dystrophy who harbored the variant in the compound heterozygous state (PMID: 25097241). However, the proband was not counted for PM3_Supporting because the NM_000329.3(RPE65):c.89T>C (p.Val30Ala) variant suspected in trans has not yet been classified for RPE65-related recessive retinopathy and because sufficient phenotype information was not available. In summary, this variant meets the criteria to be classified as a variant of uncertain significance for RPE65-related recessive retinopathy based on the ACMG/AMP criteria applied, as specified by the ClinGen LCA / eoRD VCEP: PM2_Supporting (LCA/eoRD VCEP specifications version 1.0).

Labcorp Genetics (formerly Invitae), Labcorp
Classification: Uncertain significance for Leber congenital amaurosis 2; Retinitis pigmentosa 20. Last evaluated: 2022-07-18. Review status: criteria provided, single submitter. Criteria: Invitae Variant Classification Sherloc (09022015). Collection method: clinical testing. Allele origin: germline. Not counted in ClinVar's aggregate classification.
Comment: This sequence change replaces serine, which is neutral and polar, with threonine, which is neutral and polar, at codon 533 of the RPE65 protein (p.Ser533Thr). This variant is present in population databases (rs577335767, gnomAD 0.01%). This missense change has been observed in individual(s) with RPE65-related retinal dystrophy (PMID: 17964524, 25097241). ClinVar contains an entry for this variant (Variation ID: 870342). Algorithms developed to predict the effect of missense changes on protein structure and function (SIFT, PolyPhen-2, Align-GVGD) all suggest that this variant is likely to be tolerated. In summary, the available evidence is currently insufficient to determine the role of this variant in disease. Therefore, it has been classified as a Variant of Uncertain Significance.

Fulgent Genetics
Classification: Uncertain significance for Leber congenital amaurosis 2; Retinitis pigmentosa 20; Retinitis pigmentosa 87 with choroidal involvement. Last evaluated: 2022-01-27. Review status: criteria provided, single submitter. Criteria: ACMG Guidelines, 2015. Collection method: clinical testing. Allele origin: unknown. Not counted in ClinVar's aggregate classification.

Women's Health and Genetics/Laboratory Corporation of America, LabCorp
Classification: Uncertain significance. Last evaluated: 2021-09-28. Review status: criteria provided, single submitter. Criteria: LabCorp Variant Classification Summary - May 2015. Collection method: clinical testing. Allele origin: germline. Not counted in ClinVar's aggregate classification.
Comment: Variant summary: RPE65 c.1597T>A (p.Ser533Thr) results in a conservative amino acid change in the encoded protein sequence. Five of five in-silico tools predict a benign effect of the variant on protein function. The variant allele was found at a frequency of 1.2e-05 in 250456 control chromosomes. The available data on variant occurrences in the general population are insufficient to allow any conclusion about variant significance. c.1597T>A has been reported in the literature as a compound heterozygous genotype in at-least one individual from a cohort of non-syndromic Retinitis Pigmentosa (example, Wang_2014) and as a non-informative genotype (second allele not specified) in at-least one individual affected with Leber Congenital Amaurosis (example, Stone_2007). These data do not allow any conclusion about variant significance. To our knowledge, no experimental evidence demonstrating an impact on protein function has been reported. Two clinical diagnostic laboratories have submitted clinical-significance assessments for this variant to ClinVar after 2014 without evidence for independent evaluation. All laboratories classified the variant as uncertain significance. Based on the evidence outlined above, the variant was classified as uncertain significance.

SIB Swiss Institute of Bioinformatics
Classification: Uncertain significance for Leber congenital amaurosis 2. Last evaluated: 2020-02-14. Review status: criteria provided, single submitter. Criteria: ACMG Guidelines, 2015. Collection method: curation. Allele origin: unknown. Not counted in ClinVar's aggregate classification.
Comment: This variant is interpreted as a variant of uncertain significance for Leber congenital amaurosis 2, autosomal recessive. The following ACMG Tag(s) were applied: PM2, BP4.

Natera, Inc.
Classification: Uncertain significance for Leber congenital amaurosis. Last evaluated: 2020-02-20. Review status: no assertion criteria provided. Collection method: clinical testing. Allele origin: germline. Not counted in ClinVar's aggregate classification.

Literature cited by the submitters: PubMed 17964524 (cited by 3 submitters); PubMed 25097241 (cited by Labcorp Genetics (formerly Invitae), Labcorp and Women's Health and Genetics/Laboratory Corporation of America, LabCorp); PubMed 26626312 (cited by Women's Health and Genetics/Laboratory Corporation of America, LabCorp).

NM_000329.3(RPE65):c.1597T>A (p.Ser533Thr)

Gene: RPE65 (retinoid isomerohydrolase RPE65; minus strand). Cytogenetic location: 1p31.3.
Variant type: single nucleotide variant.
Coding change: c.1597T>A on transcript NM_000329.3 (MANE Select); coding-DNA position 1597, T replaced by A.
Protein change: p.Ser533Thr; replaces serine 533 with threonine.
Molecular consequence: missense variant.
Genome position (GRCh38, 1-based): chr1:68,429,781, A>T on the plus strand (T>A on the coding strand, the complement: RPE65 is on the minus strand). VCF-style: chr1-68429781-A-T. GRCh37 (hg19) VCF-style: chr1-68895464-A-T.
Other names: NM_000329.3(RPE65):c.1597T>A; p.Ser533Thr; short protein forms S533T.
Identifiers: ClinVar variation 870342 (VCV000870342.10), dbSNP rs577335767, ClinGen allele CA902125.
Genomic context (GRCh38, chr1:68,429,781, plus strand): 5'-CCTGAAGCTGATTTTCTCAGTTTTGCTACCAAAAACATATCTTGCTGGAGTATGCTCAAG[A>T]TTTTTTGAACAGTCCATGAAAGGTGACAGGGATGTTAATCTCCACTTCAGCCCGGGCAAC-3'
Protein context (NP_000320.1, residues 523-533): PVTFHGLFKK[Ser533Thr]